The following is an entry in ClinVar:

ClinVar aggregate classification (germline): Uncertain significance. Review status: criteria provided, multiple submitters, no conflicts (2 of 4 stars). 2 submissions from 2 submitters: Uncertain significance (2). Last evaluated 2025-05-14.

Allele frequency attached by ClinVar (database versions not stated): gnomAD exomes below 0.00001; ExAC 0.00001; ESP Exome Variant Server 0.00008.
gnomAD v4.1: 6 of 1,611,764 alleles (0.00037%); highest among the groups gnomAD compares: Non-Finnish European, 0.00051%; no homozygotes.

Submissions (2):

Labcorp Genetics (formerly Invitae), Labcorp
Classification: Uncertain significance. Last evaluated: 2025-05-14. Review status: criteria provided, single submitter. Criteria: Invitae Variant Classification Sherloc (09022015). Collection method: clinical testing. Allele origin: germline.
Comment: This sequence change replaces arginine, which is basic and polar, with cysteine, which is neutral and slightly polar, at codon 454 of the RECQL protein (p.Arg454Cys). This variant is present in population databases (rs376377526, gnomAD 0.0009%). This variant has not been reported in the literature in individuals affected with RECQL-related conditions. ClinVar contains an entry for this variant (Variation ID: 1447476). Invitae Evidence Modeling of protein sequence and biophysical properties (such as structural, functional, and spatial information, amino acid conservation, physicochemical variation, residue mobility, and thermodynamic stability) indicates that this missense variant is expected to disrupt RECQL protein function with a positive predictive value of 80%. In summary, the available evidence is currently insufficient to determine the role of this variant in disease. Therefore, it has been classified as a Variant of Uncertain Significance.

Ambry Genetics
Classification: Uncertain significance. Last evaluated: 2023-12-20. Review status: criteria provided, single submitter. Criteria: Ambry Variant Classification Scheme 2023. Collection method: clinical testing. Allele origin: germline.
Comment: The p.R454C variant (also known as c.1360C>T), located in coding exon 11 of the RECQL gene, results from a C to T substitution at nucleotide position 1360. The arginine at codon 454 is replaced by cysteine, an amino acid with highly dissimilar properties. This amino acid position is highly conserved in available vertebrate species. In addition, this alteration is predicted to be deleterious by in silico analysis. Since supporting evidence is limited at this time, the clinical significance of this alteration remains unclear.

NM_002907.4(RECQL):c.1360C>T (p.Arg454Cys)

Gene: RECQL (RecQ like helicase; minus strand). Cytogenetic location: 12p12.1.
Variant type: single nucleotide variant.
Coding change: c.1360C>T on transcript NM_002907.4 (MANE Select); coding-DNA position 1360, C replaced by T.
Protein change: p.Arg454Cys; replaces arginine 454 with cysteine.
Molecular consequence: missense variant.
Genome position (GRCh38, 1-based): chr12:21,473,638, G>A on the plus strand (C>T on the coding strand, the complement: RECQL is on the minus strand). VCF-style: chr12-21473638-G-A. GRCh37 (hg19) VCF-style: chr12-21626572-G-A.
Other names: c.1360C>T, p.Arg454Cys (NM_032941.3); short protein forms R454C.
Identifiers: ClinVar variation 1447476 (VCV001447476.10), dbSNP rs376377526, ClinGen allele CA6478768.
Genomic context (GRCh38, chr12:21,473,638, plus strand): 5'-TTTTGTTACATGCTTCTGAGTTCCATACTTCATCAAAATGTTGAGCCATCAACACACGAC[G>A]ACATCTGCAAACACATTTAAAGATACAAATTATTAAAGGATATAATAAAGTTTTAAGAAT-3'
Protein context (NP_002898.2, residues 444-464): VSYCQNISKC[Arg454Cys]RVLMAQHFDE